The following is an entry in ClinVar:

ClinVar aggregate classification (germline): Pathogenic. Review status: criteria provided, multiple submitters, no conflicts (2 of 4 stars). 6 submissions from 6 submitters: Pathogenic (5). 1 of the submissions does not count toward it. Last evaluated 2024-12-17.

Conditions:
Glutaric aciduria, type 1. Also called: GA I; Glutaric Acidemia Type 1; Glutaryl-CoA dehydrogenase deficiency; Glutaric acidemia type I; Glutaricaciduria, type I; Glutaricacidemia Type 1. Identifiers: Orphanet 25, MedGen C0268595, MONDO:0009281, OMIM 231670.

Allele frequency attached by ClinVar (database versions not stated): gnomAD 0.00001; TOPMed 0.00001.

Submissions (6):

Natera, Inc.
Classification: Pathogenic for Glutaric acidemia type 1. Last evaluated: 2024-12-17. Review status: criteria provided, single submitter. Criteria: Natera Variant Classification Schema (03/2026). Collection method: clinical testing. Allele origin: germline.
Comment: The c.226C>T variant in GCDH is a nonsense variant predicted to introduce a stop codon at amino acid 76. This variant is expected to result in nonsense mediated decay, truncation, or a dysfunctional protein product. This variant is rare in the general population with a frequency below the threshold expected for the associated phenotype(s). This variant has been observed in one or more individuals affected with the associated recessive disease, as either homozygous or compound heterozygous with a second variant (PMID: 33064266). Given the available evidence, this variant is classified as Pathogenic.

Fulgent Genetics
Classification: Pathogenic for Glutaric aciduria, type 1. Last evaluated: 2024-01-29. Review status: criteria provided, single submitter. Criteria: ACMG Guidelines, 2015. Collection method: clinical testing. Allele origin: germline.

Labcorp Genetics (formerly Invitae), Labcorp
Classification: Pathogenic for Glutaric aciduria, type 1. Last evaluated: 2023-06-29. Review status: criteria provided, single submitter. Criteria: Invitae Variant Classification Sherloc (09022015). Collection method: clinical testing. Allele origin: germline.
Comment: For these reasons, this variant has been classified as Pathogenic. ClinVar contains an entry for this variant (Variation ID: 370102). This premature translational stop signal has been observed in individual(s) with GCDH-related conditions (PMID: 10699052, 21176883). This variant is not present in population databases (gnomAD no frequency). This sequence change creates a premature translational stop signal (p.Gln76*) in the GCDH gene. It is expected to result in an absent or disrupted protein product. Loss-of-function variants in GCDH are known to be pathogenic (PMID: 10699052, 11854167, 16602100).

Women's Health and Genetics/Laboratory Corporation of America, LabCorp
Classification: Pathogenic for Glutaric aciduria, type 1. Last evaluated: 2022-10-03. Review status: criteria provided, single submitter. Criteria: LabCorp Variant Classification Summary - May 2015. Collection method: clinical testing. Allele origin: germline.
Comment: Variant summary: GCDH c.226C>T (p.Gln76X) results in a premature termination codon, predicted to cause a truncation of the encoded protein or absence of the protein due to nonsense mediated decay, which are commonly known mechanisms for disease. Truncations downstream of this position have been classified as pathogenic by our laboratory. The variant was absent in 251416 control chromosomes. c.226C>T has been reported in the literature in individuals affected with Glutaric Acidemia Type 1. These data indicate that the variant is likely to be associated with disease. To our knowledge, no experimental evidence demonstrating an impact on protein function has been reported. Three clinical diagnostic laboratories have submitted clinical-significance assessments for this variant to ClinVar after 2014 without evidence for independent evaluation. All laboratories classified the variant as pathogenic/likely pathogenic. Based on the evidence outlined above, the variant was classified as pathogenic.

GeneDx
Classification: Pathogenic. Last evaluated: 2018-07-27. Review status: criteria provided, single submitter. Criteria: GeneDx Variant Classification (06012015). Collection method: clinical testing. Allele origin: germline. Affected: yes.
Comment: The Q76X variant has been published in association with gluratric aciduria type 1 (Mushimoto et al. 2011). The variant is not observed in large population cohorts (Lek et al., 2016). The Q76X variant is predicted to cause loss of normal protein function either through protein truncation or nonsense-mediated mRNA decay. In summary, we interpret this variant as pathogenic.

Counsyl
Classification: Likely pathogenic for Glutaric aciduria, type 1. Last evaluated: 2015-11-20. Review status: no assertion criteria provided. Collection method: clinical testing. Allele origin: unknown. Not counted in ClinVar's aggregate classification.

Literature cited by the submitters: PubMed 33064266 (cited by Natera, Inc. and Women's Health and Genetics/Laboratory Corporation of America, LabCorp); PubMed 10699052 (cited by Labcorp Genetics (formerly Invitae), Labcorp and Women's Health and Genetics/Laboratory Corporation of America, LabCorp); PubMed 21176883 (cited by 3 submitters); PubMed 11854167 (cited by Labcorp Genetics (formerly Invitae), Labcorp); PubMed 16602100 (cited by Labcorp Genetics (formerly Invitae), Labcorp).

NM_000159.4(GCDH):c.226C>T (p.Gln76Ter)

Genes: GCDH (glutaryl-CoA dehydrogenase; plus strand), LOC117125594 (CRISPRi-FlowFISH-validated KLF1 regulatory element; plus strand). Cytogenetic location: 19p13.13.
Variant type: single nucleotide variant.
Coding change: c.226C>T on transcript NM_000159.4 (MANE Select); coding-DNA position 226, C replaced by T.
Protein change: p.Gln76Ter; replaces glutamine 76 with a stop codon.
Molecular consequence: nonsense. On other transcripts: non-coding transcript variant (2).
Genome position (GRCh38, 1-based): chr19:12,891,929, C>T. VCF-style: chr19-12891929-C-T. GRCh37 (hg19) VCF-style: chr19-13002743-C-T.
Other names: c.226C>T, p.Gln76Ter (NM_013976.5); short protein forms Q76*.
Identifiers: ClinVar variation 370102 (VCV000370102.19), dbSNP rs898043081, ClinGen allele CA16041966.